The following is an entry in ClinVar:

ClinVar aggregate classification (germline): Uncertain significance. Review status: criteria provided, multiple submitters, no conflicts (2 of 4 stars). 2 submissions from 2 submitters: Uncertain significance (2). Last evaluated 2025-02-15.

Conditions:
Alstrom syndrome (ALMS). Identifiers: Orphanet 64, MedGen C0268425, MONDO:0008763, OMIM 203800.
ALMS1-related disorder. Also called: ALMS1-related condition.

Allele frequency attached by ClinVar (database versions not stated): gnomAD exomes below 0.00001; gnomAD 0.00001; TOPMed 0.00002.
gnomAD v4.1: 3 of 1,613,956 alleles (0.00019%); highest among the groups gnomAD compares: South Asian, 0.0011%; no homozygotes.

Submissions (2):

PreventionGenetics, part of Exact Sciences
Classification: Uncertain significance for ALMS1-related condition. Last evaluated: 2025-02-15. Review status: criteria provided, single submitter. Criteria: ACMG Guidelines, 2015. Collection method: clinical testing. Allele origin: germline.
Comment: The ALMS1 c.1702A>G variant is predicted to result in the amino acid substitution p.Thr568Ala. To our knowledge, this variant has not been reported in the literature or in a large population database (gnomAD), indicating this variant is rare. At this time, the clinical significance of this variant is uncertain due to the absence of conclusive functional and genetic evidence.

Labcorp Genetics (formerly Invitae), Labcorp
Classification: Uncertain significance for Alstrom syndrome. Last evaluated: 2023-09-03. Review status: criteria provided, single submitter. Criteria: Invitae Variant Classification Sherloc (09022015). Collection method: clinical testing. Allele origin: germline.
Comment: This variant has not been reported in the literature in individuals affected with ALMS1-related conditions. This variant is present in population databases (no rsID available, gnomAD 0.0009%). This sequence change replaces threonine, which is neutral and polar, with alanine, which is neutral and non-polar, at codon 568 of the ALMS1 protein (p.Thr568Ala). Algorithms developed to predict the effect of missense changes on protein structure and function output the following: SIFT: "Not Available"; PolyPhen-2: "Not Available"; Align-GVGD: "Not Available". The alanine amino acid residue is found in multiple mammalian species, which suggests that this missense change does not adversely affect protein function. In summary, the available evidence is currently insufficient to determine the role of this variant in disease. Therefore, it has been classified as a Variant of Uncertain Significance.

NM_001378454.1(ALMS1):c.1699A>G (p.Thr567Ala)

Gene: ALMS1 (ALMS1 centrosome and basal body associated protein; plus strand). Cytogenetic location: 2p13.1.
Variant type: single nucleotide variant.
Coding change: c.1699A>G on transcript NM_001378454.1 (MANE Select); coding-DNA position 1699, A replaced by G.
Protein change: p.Thr567Ala; replaces threonine 567 with alanine.
Molecular consequence: missense variant.
Genome position (GRCh38, 1-based): chr2:73,448,226, A>G. VCF-style: chr2-73448226-A-G. GRCh37 (hg19) VCF-style: chr2-73675353-A-G.
Other names: c.1702A>G, p.Thr568Ala (NM_015120.4); short protein forms T568A, T567A.
Identifiers: ClinVar variation 2893743 (VCV002893743.4), dbSNP rs1003144577, ClinGen allele CA50391101.